The following is an entry in ClinVar:

NM_000051.4(ATM):c.3042T>C (p.Ala1014=)

Gene: ATM (ATM serine/threonine kinase; plus strand). Cytogenetic location: 11q22.3.
Variant type: single nucleotide variant.
Coding change: c.3042T>C on transcript NM_000051.4 (MANE Select); coding-DNA position 3042, T replaced by C.
Protein change: p.Ala1014=; no amino-acid change (alanine 1014 retained).
Molecular consequence: synonymous variant.
Genome position (GRCh38, 1-based): chr11:108,271,371, T>C. VCF-style: chr11-108271371-T-C. GRCh37 (hg19) VCF-style: chr11-108142098-T-C.
Other names: c.3042T>C, p.Ala1014= (NM_001351834.2).
Identifiers: ClinVar variation 453444 (VCV000453444.14), dbSNP rs1555085205, ClinGen allele CA476674415.

ClinVar aggregate classification (germline): Benign/Likely benign. Review status: criteria provided, multiple submitters, no conflicts (2 of 4 stars). 3 submissions from 3 submitters: Benign (1); Likely benign (2). Last evaluated 2024-05-13.

Conditions:
Hereditary cancer-predisposing syndrome. Also called: Tumor predisposition; Hereditary Cancer Syndrome; Neoplastic Syndromes, Hereditary; Hereditary neoplastic syndrome. Identifiers: Orphanet 140162, MedGen C0027672, MeSH D009386, MONDO:0015356.
Familial cancer of breast. Also called: Hereditary breast cancer; hereditary breast carcinoma; BREAST CANCER, FAMILIAL. Identifiers: Orphanet 227535, MedGen C0346153, MONDO:0016419, OMIM 114480. Disease mechanism: loss of function.
Ataxia-telangiectasia syndrome (AT). Also called: Cerebello-oculocutaneous telangiectasia; Immunodeficiency with ataxia telangiectasia; Ataxia-telangiectasia, complementation group D; AT, COMPLEMENTATION GROUP C; Ataxia-telangiectasia, complementation group E; LOUIS-BAR SYNDROME. Identifiers: Orphanet 100, MedGen C0004135, MONDO:0008840, OMIM 208900.

Submissions (3):

Myriad Genetics, Inc.
Classification: Benign for Familial cancer of breast. Last evaluated: 2024-05-13. Review status: criteria provided, single submitter. Criteria: Myriad Autosomal Dominant, Autosomal Recessive and X-Linked Classification Criteria (2023). Collection method: clinical testing. Allele origin: unknown.
Comment: This variant is considered benign. This variant is a silent/synonymous amino acid change and it is not expected to impact splicing.

Labcorp Genetics (formerly Invitae), Labcorp
Classification: Likely benign for Ataxia-telangiectasia syndrome. Last evaluated: 2024-02-17. Review status: criteria provided, single submitter. Criteria: Invitae Variant Classification Sherloc (09022015). Collection method: clinical testing. Allele origin: germline.

Ambry Genetics
Classification: Likely benign for Hereditary cancer-predisposing syndrome. Last evaluated: 2020-03-30. Review status: criteria provided, single submitter. Criteria: Ambry Variant Classification Scheme 2023. Collection method: clinical testing. Allele origin: germline.